The following is an entry in ClinVar:

ClinVar aggregate classification (germline): Uncertain significance (1 of 4 stars; one submission).

Conditions:
Spastic paraplegia. Identifiers: MedGen C0037772, HP:0001258.

Allele frequency attached by ClinVar (database versions not stated): gnomAD exomes 0.00001; TOPMed 0.00002; ExAC 0.00003; gnomAD 0.00012.
gnomAD v4.1: 38 of 1,585,804 alleles (0.0024%); highest among the groups gnomAD compares: African/African-American, 0.0041%; no homozygotes.

Submission:

Labcorp Genetics (formerly Invitae), Labcorp
Classification: Uncertain significance for Spastic paraplegia. Last evaluated: 2024-12-09. Review status: criteria provided, single submitter. Criteria: Invitae Variant Classification Sherloc (09022015). Collection method: clinical testing. Allele origin: germline.
Comment: This sequence change replaces threonine, which is neutral and polar, with alanine, which is neutral and non-polar, at codon 271 of the SLC33A1 protein (p.Thr271Ala). This variant is present in population databases (rs756412484, gnomAD 0.01%). This variant has not been reported in the literature in individuals affected with SLC33A1-related conditions. ClinVar contains an entry for this variant (Variation ID: 2164675). Invitae Evidence Modeling of protein sequence and biophysical properties (such as structural, functional, and spatial information, amino acid conservation, physicochemical variation, residue mobility, and thermodynamic stability) indicates that this missense variant is not expected to disrupt SLC33A1 protein function with a negative predictive value of 80%. Algorithms developed to predict the effect of sequence changes on RNA splicing suggest that this variant may disrupt the consensus splice site. In summary, the available evidence is currently insufficient to determine the role of this variant in disease. Therefore, it has been classified as a Variant of Uncertain Significance.

NM_004733.4(SLC33A1):c.811A>G (p.Thr271Ala)

Gene: SLC33A1 (solute carrier family 33 member 1; minus strand). Cytogenetic location: 3q25.31.
Variant type: single nucleotide variant.
Coding change: c.811A>G on transcript NM_004733.4 (MANE Select); coding-DNA position 811, A replaced by G.
Protein change: p.Thr271Ala; replaces threonine 271 with alanine.
Molecular consequence: missense variant. On other transcripts: intron variant (1).
Genome position (GRCh38, 1-based): chr3:155,842,584, T>C on the plus strand (A>G on the coding strand, the complement: SLC33A1 is on the minus strand). VCF-style: chr3-155842584-T-C. GRCh37 (hg19) VCF-style: chr3-155560373-T-C.
Other names: c.811A>G, p.Thr271Ala (NM_001190992.2); c.776-8543A>G (NM_001363883.1); short protein forms T271A.
Identifiers: ClinVar variation 2164675 (VCV002164675.4), dbSNP rs756412484, ClinGen allele CA2677365.